The following is an entry in ClinVar:

NM_014633.5(CTR9):c.3331A>G (p.Arg1111Gly)

Gene: CTR9 (CTR9 component of Paf1/RNA polymerase II complex; plus strand). Cytogenetic location: 11p15.4.
Variant type: single nucleotide variant.
Coding change: c.3331A>G on transcript NM_014633.5 (MANE Select); coding-DNA position 3331, A replaced by G.
Protein change: p.Arg1111Gly; replaces arginine 1111 with glycine.
Molecular consequence: missense variant.
Genome position (GRCh38, 1-based): chr11:10,778,914, A>G. VCF-style: chr11-10778914-A-G. GRCh37 (hg19) VCF-style: chr11-10800461-A-G.
Other names: c.3259A>G, p.Arg1087Gly (NM_001346279.2); short protein forms R1087G, R1111G.
Identifiers: ClinVar variation 4813164 (VCV004813164.1).

ClinVar aggregate classification (germline): Uncertain significance (1 of 4 stars; one submission).

Conditions:
Predisposition to Wilms tumor.

Submission:

St. Jude Molecular Pathology, St. Jude Children's Research Hospital
Classification: Uncertain significance for Predisposition to Wilms tumor. Last evaluated: 2026-02-11. Review status: criteria provided, single submitter. Criteria: St. Jude Assertion Criteria 2020. Collection method: clinical testing. Allele origin: germline.
Comment: The CTR9 c.3331A>G p.(Arg1111Gly) missense change is absent in gnomAD v2.1.1. The in silico tool REVEL predicts a benign effect on protein function, but to our knowledge this prediction has not been confirmed by functional studies. To our knowledge, this variant has not been reported in individuals with Wilms tumor. In summary, the evidence currently available is insufficient to determine the clinical significance of this variant. It has therefore been classified as of uncertain significance.